The following is an entry in ClinVar:

ClinVar aggregate classification (germline): Likely pathogenic (1 of 4 stars; one submission).

Submission:

Labcorp Genetics (formerly Invitae), Labcorp
Classification: Likely pathogenic. Last evaluated: 2025-10-18. Review status: criteria provided, single submitter. Criteria: Invitae Variant Classification Sherloc (09022015). Collection method: clinical testing. Allele origin: germline.
Comment: This sequence change replaces glycine, which is neutral and non-polar, with serine, which is neutral and polar, at codon 1080 of the COL2A1 protein (p.Gly1080Ser). This variant is not present in population databases (gnomAD no frequency). This missense change has been observed in individual(s) with clinical features of COL2A1-related conditions (internal data). ClinVar contains an entry for this variant (Variation ID: 2821122). Invitae Evidence Modeling of protein sequence and biophysical properties (such as structural, functional, and spatial information, amino acid conservation, physicochemical variation, residue mobility, and thermodynamic stability) indicates that this missense variant is expected to disrupt COL2A1 protein function with a positive predictive value of 95%. This variant disrupts the triple helix domain of COL2A1. Glycine residues within the Gly-Xaa-Yaa repeats of the triple helix domain are required for the structure and stability of fibrillar collagens (PMID: 7695699, 8218237, 19344236). In COL2A1, variants affecting these glycine residues are significantly enriched in individuals with disease (PMID: 9016532, 17078022) compared to the general population (ExAC). In summary, the currently available evidence indicates that the variant is pathogenic, but additional data are needed to prove that conclusively. Therefore, this variant has been classified as Likely Pathogenic.

Literature cited by the submitters: PubMed 7695699; PubMed 8218237; PubMed 19344236; PubMed 9016532; PubMed 17078022.

NM_001844.5(COL2A1):c.3238G>A (p.Gly1080Ser)

Gene: COL2A1 (collagen type II alpha 1 chain; minus strand). Cytogenetic location: 12q13.11.
Variant type: single nucleotide variant.
Coding change: c.3238G>A on transcript NM_001844.5 (MANE Select); coding-DNA position 3238, G replaced by A.
Protein change: p.Gly1080Ser; replaces glycine 1080 with serine.
Molecular consequence: missense variant.
Genome position (GRCh38, 1-based): chr12:47,977,355, C>T on the plus strand (G>A on the coding strand, the complement: COL2A1 is on the minus strand). VCF-style: chr12-47977355-C-T. GRCh37 (hg19) VCF-style: chr12-48371138-C-T.
Other names: c.3031G>A, p.Gly1011Ser (NM_033150.3); short protein forms G1011S, G1080S.
Identifiers: ClinVar variation 2821122 (VCV002821122.3), dbSNP rs2540107776, ClinGen allele CA384540192.